The following is an entry in ClinVar:

ClinVar aggregate classification (germline): Benign. Review status: criteria provided, multiple submitters, no conflicts (2 of 4 stars). 2 submissions from 2 submitters: Benign (2). Last evaluated 2018-06-16.

Allele frequency attached by ClinVar (database versions not stated): gnomAD exomes 0.08680; gnomAD 0.25096 and 0.25913; TOPMed 0.27833; 1000 Genomes Project 0.29593; 1000 Genomes Project 30x 0.30700.
gnomAD v4.1: 83,344 of 669,804 alleles (12%); highest among the groups gnomAD compares: African/African-American, 63%; 13,152 homozygotes.

Submissions (2):

GeneDx
Classification: Benign. Last evaluated: 2018-06-16. Review status: criteria provided, single submitter. Criteria: GeneDx Variant Classification (06012015). Collection method: clinical testing. Allele origin: germline. Affected: yes.
Comment: This variant is considered likely benign or benign based on one or more of the following criteria: it is a conservative change, it occurs at a poorly conserved position in the protein, it is predicted to be benign by multiple in silico algorithms, and/or has population frequency not consistent with disease.

Breakthrough Genomics
Classification: Benign. Review status: criteria provided, single submitter. Criteria: ACMG Guidelines, 2015. Collection method: not provided. Allele origin: germline. Inheritance: Autosomal recessive inheritance. Affected: yes.

NM_032578.4(MYPN):c.1130+132C>T

Gene: MYPN (myopalladin; plus strand). Cytogenetic location: 10q21.3.
Variant type: single nucleotide variant.
Coding change: c.1130+132C>T on transcript NM_032578.4 (MANE Select); 132 bases into the intron after coding-DNA position 1130, C replaced by T.
Molecular consequence: intron variant.
Genome position (GRCh38, 1-based): chr10:68,145,658, C>T. VCF-style: chr10-68145658-C-T. GRCh37 (hg19) VCF-style: chr10-69905415-C-T.
Other names: c.1130+132C>T (NM_001256267.2); c.248+132C>T (NM_001256268.2).
Identifiers: ClinVar variation 672829 (VCV000672829.2), dbSNP rs2635993, ClinGen allele CA208180508.